The following is an entry in ClinVar:

ClinVar aggregate classification (germline): Likely benign. Review status: criteria provided, single submitter (1 of 4 stars). 2 submissions from 2 submitters: Likely benign (1). 1 of the submissions does not count toward it. Last evaluated 2023-09-10.

Conditions:
Multiple congenital exostosis (EXT). Also called: Hereditary multiple exostoses; Hereditary multiple exostosis; Multiple osteochondromas; MULTIPLE CARTILAGINOUS EXOSTOSES; Multiple exostoses; Hereditary multiple osteochondromas. Identifiers: Orphanet 321, MedGen C0015306, MONDO:0005508, HP:0002762.
EXT1-related disorder. Also called: EXT1-related condition.

Allele frequency attached by ClinVar (database versions not stated): gnomAD 0.00001; TOPMed 0.00001; gnomAD exomes 0.00002.
gnomAD v4.1: 27 of 1,614,008 alleles (0.0017%); highest among the groups gnomAD compares: Non-Finnish European, 0.0023%; no homozygotes.

Submissions (2):

Labcorp Genetics (formerly Invitae), Labcorp
Classification: Likely benign for Multiple congenital exostosis. Last evaluated: 2023-09-10. Review status: criteria provided, single submitter. Criteria: Invitae Variant Classification Sherloc (09022015). Collection method: clinical testing. Allele origin: germline.

PreventionGenetics, part of Exact Sciences
Classification: Likely benign for EXT1-related condition. Last evaluated: 2022-06-16. Review status: no assertion criteria provided. Collection method: clinical testing. Allele origin: germline. Not counted in ClinVar's aggregate classification.
Comment: This variant is classified as likely benign based on ACMG/AMP sequence variant interpretation guidelines (Richards et al. 2015 PMID: 25741868, with internal and published modifications).

NM_000127.3(EXT1):c.1231T>C (p.Leu411=)

Gene: EXT1 (exostosin glycosyltransferase 1; minus strand). Cytogenetic location: 8q24.11.
Variant type: single nucleotide variant.
Coding change: c.1231T>C on transcript NM_000127.3 (MANE Select); coding-DNA position 1231, T replaced by C.
Protein change: p.Leu411=; no amino-acid change (leucine 411 retained).
Molecular consequence: synonymous variant.
Genome position (GRCh38, 1-based): chr8:117,830,283, A>G on the plus strand (T>C on the coding strand, the complement: EXT1 is on the minus strand). VCF-style: chr8-117830283-A-G. GRCh37 (hg19) VCF-style: chr8-118842522-A-G.
Identifiers: ClinVar variation 2914993 (VCV002914993.5), dbSNP rs1241419746, ClinGen allele CA462468675.